The following is an entry in ClinVar:

NM_001379286.1(ZNF423):c.2567T>C (p.Met856Thr)

Gene: ZNF423 (zinc finger protein 423; minus strand). Cytogenetic location: 16q12.1.
Variant type: single nucleotide variant.
Coding change: c.2567T>C on transcript NM_001379286.1 (MANE Select); coding-DNA position 2567, T replaced by C.
Protein change: p.Met856Thr; replaces methionine 856 with threonine.
Molecular consequence: missense variant.
Genome position (GRCh38, 1-based): chr16:49,636,609, A>G on the plus strand (T>C on the coding strand, the complement: ZNF423 is on the minus strand). VCF-style: chr16-49636609-A-G. GRCh37 (hg19) VCF-style: chr16-49670520-A-G.
Other names: c.2363T>C, p.Met788Thr (NM_001271620.2); c.2192T>C, p.Met731Thr (NM_001330533.2); c.2543T>C, p.Met848Thr (NM_015069.5); short protein forms M731T, M848T, M788T, M856T.
Identifiers: ClinVar variation 653837 (VCV000653837.8), dbSNP rs1596759188, ClinGen allele CA395842471.

ClinVar aggregate classification (germline): Uncertain significance (1 of 4 stars; one submission).

Conditions:
Nephronophthisis 14 (NPHP14). Identifiers: Orphanet 2318, MedGen C3539071, MONDO:0013916, OMIM 614844.

Allele frequency attached by ClinVar (database versions not stated): gnomAD exomes below 0.00001.
gnomAD v4.1: 2 of 1,613,646 alleles (0.00012%); highest among the groups gnomAD compares: Middle Eastern, 0.017%; no homozygotes.

Submission:

Labcorp Genetics (formerly Invitae), Labcorp
Classification: Uncertain significance for Nephronophthisis 14. Last evaluated: 2022-12-06. Review status: criteria provided, single submitter. Criteria: Invitae Variant Classification Sherloc (09022015). Collection method: clinical testing. Allele origin: germline.
Comment: Advanced modeling of protein sequence and biophysical properties (such as structural, functional, and spatial information, amino acid conservation, physicochemical variation, residue mobility, and thermodynamic stability) performed at Invitae indicates that this missense variant is not expected to disrupt ZNF423 protein function. In summary, the available evidence is currently insufficient to determine the role of this variant in disease. Therefore, it has been classified as a Variant of Uncertain Significance. ClinVar contains an entry for this variant (Variation ID: 653837). This sequence change replaces methionine, which is neutral and non-polar, with threonine, which is neutral and polar, at codon 848 of the ZNF423 protein (p.Met848Thr). This variant is not present in population databases (gnomAD no frequency). This variant has not been reported in the literature in individuals affected with ZNF423-related conditions.